The following is an entry in ClinVar:

NM_000440.3(PDE6A):c.1816A>T (p.Thr606Ser)

Gene: PDE6A (phosphodiesterase 6A; minus strand). Cytogenetic location: 5q32.
Variant type: single nucleotide variant.
Coding change: c.1816A>T on transcript NM_000440.3 (MANE Select); coding-DNA position 1816, A replaced by T.
Protein change: p.Thr606Ser; replaces threonine 606 with serine.
Molecular consequence: missense variant.
Genome position (GRCh38, 1-based): chr5:149,886,287, T>A on the plus strand (A>T on the coding strand, the complement: PDE6A is on the minus strand). VCF-style: chr5-149886287-T-A. GRCh37 (hg19) VCF-style: chr5-149265850-T-A.
Other names: c.1573A>T, p.Thr525Ser (NM_001410788.1); short protein forms T525S, T606S.
Identifiers: ClinVar variation 2008738 (VCV002008738.4), dbSNP rs763461797, ClinGen allele CA3504530.

ClinVar aggregate classification (germline): Uncertain significance (1 of 4 stars; one submission).

Allele frequency attached by ClinVar (database versions not stated): gnomAD exomes below 0.00001; ExAC 0.00002.
gnomAD v4.1: 2 of 1,613,584 alleles (0.00012%); highest among the groups gnomAD compares: South Asian, 0.0022%; no homozygotes.

Submission:

Labcorp Genetics (formerly Invitae), Labcorp
Classification: Uncertain significance. Last evaluated: 2022-06-20. Review status: criteria provided, single submitter. Criteria: Invitae Variant Classification Sherloc (09022015). Collection method: clinical testing. Allele origin: germline.
Comment: In summary, the available evidence is currently insufficient to determine the role of this variant in disease. Therefore, it has been classified as a Variant of Uncertain Significance. Algorithms developed to predict the effect of missense changes on protein structure and function (SIFT, PolyPhen-2, Align-GVGD) all suggest that this variant is likely to be disruptive. This variant has not been reported in the literature in individuals affected with PDE6A-related conditions. This variant is present in population databases (rs763461797, gnomAD 0.006%). This sequence change replaces threonine, which is neutral and polar, with serine, which is neutral and polar, at codon 606 of the PDE6A protein (p.Thr606Ser).